The following is an entry in ClinVar:

NM_001080414.4(CCDC88C):c.6010G>A (p.Val2004Ile)

Gene: CCDC88C (coiled-coil and HOOK domain protein 88C; minus strand). Cytogenetic location: 14q32.11.
Variant type: single nucleotide variant.
Coding change: c.6010G>A on transcript NM_001080414.4 (MANE Select); coding-DNA position 6010, G replaced by A.
Protein change: p.Val2004Ile; replaces valine 2004 with isoleucine.
Molecular consequence: missense variant.
Genome position (GRCh38, 1-based): chr14:91,272,702, C>T on the plus strand (G>A on the coding strand, the complement: CCDC88C is on the minus strand). VCF-style: chr14-91272702-C-T. GRCh37 (hg19) VCF-style: chr14-91739046-C-T.
Other names: c.6010G>A (NM_001080414.3); short protein forms V2004I.
Identifiers: ClinVar variation 2083166 (VCV002083166.2), dbSNP rs370102360, ClinGen allele CA7308532.

ClinVar aggregate classification (germline): Uncertain significance. Review status: criteria provided, multiple submitters, no conflicts (2 of 4 stars). 2 submissions from 2 submitters: Uncertain significance (2). Last evaluated 2025-08-21.

Conditions:
Inborn genetic diseases. Identifiers: MedGen C0950123, MeSH D030342.

gnomAD v4.1: 74 of 1,611,262 alleles (0.0046%); highest among the groups gnomAD compares: Admixed American, 0.027%; no homozygotes.

Submissions (2):

Ambry Genetics
Classification: Uncertain significance for Inborn genetic diseases. Last evaluated: 2025-08-21. Review status: criteria provided, single submitter. Criteria: Ambry Variant Classification Scheme 2023. Collection method: clinical testing. Allele origin: germline.

Labcorp Genetics (formerly Invitae), Labcorp
Classification: Uncertain significance. Last evaluated: 2022-05-24. Review status: criteria provided, single submitter. Criteria: Invitae Variant Classification Sherloc (09022015). Collection method: clinical testing. Allele origin: germline.
Comment: This sequence change replaces valine, which is neutral and non-polar, with isoleucine, which is neutral and non-polar, at codon 2004 of the CCDC88C protein (p.Val2004Ile). This variant is present in population databases (rs370102360, gnomAD 0.03%). This variant has not been reported in the literature in individuals affected with CCDC88C-related conditions. Algorithms developed to predict the effect of missense changes on protein structure and function output the following: SIFT: "Tolerated"; PolyPhen-2: "Benign"; Align-GVGD: "Class C0". The isoleucine amino acid residue is found in multiple mammalian species, which suggests that this missense change does not adversely affect protein function. In summary, the available evidence is currently insufficient to determine the role of this variant in disease. Therefore, it has been classified as a Variant of Uncertain Significance.